The following is an entry in ClinVar:

ClinVar aggregate classification (germline): Uncertain significance (1 of 4 stars; one submission).

Conditions:
Long QT syndrome (LQTS). Identifiers: MedGen C0023976, MeSH D008133, MONDO:0002442. Disease mechanism: loss of function. Inheritance: Various modes of inheritance.

Submission:

Labcorp Genetics (formerly Invitae), Labcorp
Classification: Uncertain significance for Long QT syndrome. Last evaluated: 2025-02-02. Review status: criteria provided, single submitter. Criteria: Invitae Variant Classification Sherloc (09022015). Collection method: clinical testing. Allele origin: germline.
Comment: This sequence change replaces glutamine, which is neutral and polar, with histidine, which is basic and polar, at codon 695 of the KCNH2 protein (p.Gln695His). This variant is not present in population databases (gnomAD no frequency). This variant has not been reported in the literature in individuals affected with KCNH2-related conditions. An algorithm developed to predict the effect of missense changes on protein structure and function (PolyPhen-2) suggests that this variant is likely to be disruptive. In summary, the available evidence is currently insufficient to determine the role of this variant in disease. Therefore, it has been classified as a Variant of Uncertain Significance.

NM_000238.4(KCNH2):c.2085G>T (p.Gln695His)

Gene: KCNH2 (potassium voltage-gated channel subfamily H member 2; minus strand). Cytogenetic location: 7q36.1.
Variant type: single nucleotide variant.
Coding change: c.2085G>T on transcript NM_000238.4 (MANE Select); coding-DNA position 2085, G replaced by T.
Protein change: p.Gln695His; replaces glutamine 695 with histidine.
Molecular consequence: missense variant. On other transcripts: non-coding transcript variant (2).
Genome position (GRCh38, 1-based): chr7:150,950,981, C>A on the plus strand (G>T on the coding strand, the complement: KCNH2 is on the minus strand). VCF-style: chr7-150950981-C-A. GRCh37 (hg19) VCF-style: chr7-150648069-C-A.
Other names: c.1065G>T, p.Gln355His (NM_001204798.2, NM_172057.3); c.1797G>T, p.Gln599His (NM_001406753.1, NM_001406756.1); c.1908G>T, p.Gln636His (NM_001406755.1); c.1785G>T, p.Gln595His (NM_001406757.1); c.2085G>T, p.Gln695His (NM_172056.3); short protein forms Q355H, Q599H, Q695H, Q595H, Q636H.
Identifiers: ClinVar variation 3690198 (VCV003690198.2).